The following is an entry in ClinVar:

NM_001378026.1(NBEAL1):c.7911C>T (p.Phe2637=)

Gene: NBEAL1 (neurobeachin like 1; plus strand). Cytogenetic location: 2q33.2.
Variant type: single nucleotide variant.
Coding change: c.7911C>T on transcript NM_001378026.1 (MANE Select); coding-DNA position 7911, C replaced by T.
Protein change: p.Phe2637=; no amino-acid change (phenylalanine 2637 retained).
Molecular consequence: synonymous variant.
Genome position (GRCh38, 1-based): chr2:203,211,083, C>T. VCF-style: chr2-203211083-C-T. GRCh37 (hg19) VCF-style: chr2-204075806-C-T.
Other names: c.7824C>T, p.Phe2608= (NM_001114132.2).
Identifiers: ClinVar variation 2651831 (VCV002651831.24), dbSNP rs201425127, ClinGen allele CA2064854.

ClinVar aggregate classification (germline): Likely benign (1 of 4 stars; one submission).

Allele frequency attached by ClinVar (database versions not stated): gnomAD 0.00015; ExAC 0.00016; TOPMed 0.00017; ESP Exome Variant Server 0.00025.
gnomAD v4.1: 221 of 1,602,406 alleles (0.014%); highest among the groups gnomAD compares: Non-Finnish European, 0.0032%; no homozygotes.

Submission:

CeGaT Center for Human Genetics Tuebingen
Classification: Likely benign. Last evaluated: 2022-09-01. Review status: criteria provided, single submitter. Criteria: CeGaT Center For Human Genetics Tuebingen Variant Classification Criteria Version 2. Collection method: clinical testing. Allele origin: germline. Affected: yes. Observed: 1 variant allele.
Comment: NBEAL1: BP4, BP7